The following is an entry in ClinVar:

NM_198578.4(LRRK2):c.1943G>C (p.Gly648Ala)

Gene: LRRK2 (leucine rich repeat kinase 2; plus strand). Cytogenetic location: 12q12.
Variant type: single nucleotide variant.
Coding change: c.1943G>C on transcript NM_198578.4 (MANE Select); coding-DNA position 1943, G replaced by C.
Protein change: p.Gly648Ala; replaces glycine 648 with alanine.
Molecular consequence: missense variant.
Genome position (GRCh38, 1-based): chr12:40,277,889, G>C. VCF-style: chr12-40277889-G-C. GRCh37 (hg19) VCF-style: chr12-40671691-G-C.
Other names: short protein forms G648A.
Identifiers: ClinVar variation 1783093 (VCV001783093.2), dbSNP rs2499637041, ClinGen allele CA384404354.

ClinVar aggregate classification (germline): Uncertain significance (1 of 4 stars; one submission).

Conditions:
Inborn genetic diseases. Identifiers: MedGen C0950123, MeSH D030342.

Submission:

Ambry Genetics
Classification: Uncertain significance for Inborn genetic diseases. Last evaluated: 2021-11-07. Review status: criteria provided, single submitter. Criteria: Ambry Variant Classification Scheme 2023. Collection method: clinical testing. Allele origin: germline.
Comment: The p.G648A variant (also known as c.1943G>C), located in coding exon 17 of the LRRK2 gene, results from a G to C substitution at nucleotide position 1943. The glycine at codon 648 is replaced by alanine, an amino acid with similar properties. This amino acid position is conserved. In addition, this alteration is predicted to be deleterious by in silico analysis. Since supporting evidence is limited at this time, the clinical significance of this alteration remains unclear.